The following is an entry in ClinVar:

ClinVar aggregate classification (germline): Likely benign. Review status: criteria provided, single submitter (1 of 4 stars). 2 submissions from 2 submitters: Likely benign (1). 1 of the submissions does not count toward it. Last evaluated 2019-12-09.

Conditions:
BBS1-related disorder. Also called: BBS1-related condition.
Bardet-Biedl syndrome (BBS). Identifiers: Orphanet 110, MedGen C0752166, MONDO:0015229.

Submissions (2):

Labcorp Genetics (formerly Invitae), Labcorp
Classification: Likely benign for Bardet-Biedl syndrome. Last evaluated: 2019-12-09. Review status: criteria provided, single submitter. Criteria: Invitae Variant Classification Sherloc (09022015). Collection method: clinical testing. Allele origin: germline.

PreventionGenetics, part of Exact Sciences
Classification: Likely benign for BBS1-related condition. Last evaluated: 2023-02-10. Review status: no assertion criteria provided. Collection method: clinical testing. Allele origin: germline. Not counted in ClinVar's aggregate classification.
Comment: This variant is classified as likely benign based on ACMG/AMP sequence variant interpretation guidelines (Richards et al. 2015 PMID: 25741868, with internal and published modifications).

NM_024649.5(BBS1):c.125-4C>T

Gene: BBS1 (Bardet-Biedl syndrome 1; plus strand). Cytogenetic location: 11q13.2.
Variant type: single nucleotide variant.
Coding change: c.125-4C>T on transcript NM_024649.5 (MANE Select); 4 bases into the intron before coding-DNA position 125, C replaced by T.
Molecular consequence: intron variant.
Genome position (GRCh38, 1-based): chr11:66,511,201, C>T. VCF-style: chr11-66511201-C-T. GRCh37 (hg19) VCF-style: chr11-66278672-C-T.
Other names: c.125-4C>T (NM_024649.4).
Identifiers: ClinVar variation 1100514 (VCV001100514.10), dbSNP rs2134765678, ClinGen allele CA2499221196.